The following is an entry in ClinVar:

NM_006766.5(KAT6A):c.1135T>C (p.Ser379Pro)

Gene: KAT6A (lysine acetyltransferase 6A; minus strand). Cytogenetic location: 8p11.21.
Variant type: single nucleotide variant.
Coding change: c.1135T>C on transcript NM_006766.5 (MANE Select); coding-DNA position 1135, T replaced by C.
Protein change: p.Ser379Pro; replaces serine 379 with proline.
Molecular consequence: missense variant.
Genome position (GRCh38, 1-based): chr8:41,977,236, A>G on the plus strand (T>C on the coding strand, the complement: KAT6A is on the minus strand). VCF-style: chr8-41977236-A-G. GRCh37 (hg19) VCF-style: chr8-41834754-A-G.
Other names: c.1135T>C, p.Ser379Pro (NM_001305878.2); short protein forms S379P.
Identifiers: ClinVar variation 2397707 (VCV002397707.5), dbSNP rs747769396, ClinGen allele CA4730233.

ClinVar aggregate classification (germline): Conflicting classifications of pathogenicity. Review status: criteria provided, conflicting classifications (1 of 4 stars). 2 submissions from 2 submitters: Uncertain significance (1); Likely benign (1). Last evaluated 2025-04-17.

Conditions:
Inborn genetic diseases. Identifiers: MedGen C0950123, MeSH D030342.

Allele frequency attached by ClinVar (database versions not stated): gnomAD 0.00001; ExAC 0.00001.
gnomAD v4.1: 7 of 1,613,446 alleles (0.00043%); highest among the groups gnomAD compares: Non-Finnish European, 0.00051%; no homozygotes.

Submissions (2):

Labcorp Genetics (formerly Invitae), Labcorp
Classification: Uncertain significance. Last evaluated: 2025-04-17. Review status: criteria provided, single submitter. Criteria: Invitae Variant Classification Sherloc (09022015). Collection method: clinical testing. Allele origin: germline.
Comment: This sequence change replaces serine, which is neutral and polar, with proline, which is neutral and non-polar, at codon 379 of the KAT6A protein (p.Ser379Pro). This variant is present in population databases (rs747769396, gnomAD 0.0009%). This variant has not been reported in the literature in individuals affected with KAT6A-related conditions. ClinVar contains an entry for this variant (Variation ID: 2397707). Invitae Evidence Modeling of protein sequence and biophysical properties (such as structural, functional, and spatial information, amino acid conservation, physicochemical variation, residue mobility, and thermodynamic stability) has been performed for this missense variant. However, the output from this modeling did not meet the statistical confidence thresholds required to predict the impact of this variant on KAT6A protein function. In summary, the available evidence is currently insufficient to determine the role of this variant in disease. Therefore, it has been classified as a Variant of Uncertain Significance.

Ambry Genetics
Classification: Likely benign for Inborn genetic diseases. Last evaluated: 2021-09-16. Review status: criteria provided, single submitter. Criteria: Ambry Variant Classification Scheme 2023. Collection method: clinical testing. Allele origin: germline.